The following is an entry in ClinVar:

ClinVar aggregate classification (germline): Likely pathogenic (1 of 4 stars; one submission).

Conditions:
Leber congenital amaurosis 1 (LCA1). Also called: RETINAL BLINDNESS, CONGENITAL; AMAUROSIS CONGENITA OF LEBER I; Congenital absence of the rods and cones; Leber's congenital tapetoretinal degeneration; Leber's congenital tapetoretinal dysplasia. Identifiers: Orphanet 65, MedGen C2931258, MONDO:0008764, OMIM 204000.

gnomAD v4.1: 74 of 1,609,434 alleles (0.0046%); highest among the groups gnomAD compares: Non-Finnish European, 0.006%; no homozygotes.

Submission:

Research Institute for Ophthalmology and Vision Science, Shahid Beheshti University of Medical Sciences
Classification: Likely pathogenic for Leber congenital amaurosis 1. Last evaluated: 2025-12-12. Review status: criteria provided, single submitter. Criteria: ACMG Guidelines, 2015. Collection method: research. Allele origin: inherited. Inheritance: Autosomal recessive inheritance. Affected: yes.
Comment: NM_000180.4(GUCY2D):c.1354G>C has an extremely low frequency in gnomAD databases. It has been found in a homozygous form in patients. GUCY2D also exhibits a low rate of benign missense mutations. The patient's phenotype and family history are characteristic of a disease with a single genetic etiology.

NM_000180.4(GUCY2D):c.1354G>A (p.Asp452Asn)

Gene: GUCY2D (guanylate cyclase 2D, retinal; plus strand). Cytogenetic location: 17p13.1.
Variant type: single nucleotide variant.
Coding change: c.1354G>A on transcript NM_000180.4 (MANE Select); coding-DNA position 1354, G replaced by A.
Protein change: p.Asp452Asn; replaces aspartic acid 452 with asparagine.
Molecular consequence: missense variant.
Genome position (GRCh38, 1-based): chr17:8,006,690, G>A. VCF-style: chr17-8006690-G-A. GRCh37 (hg19) VCF-style: chr17-7910008-G-A.
Other names: short protein forms D452N.
Identifiers: ClinVar variation 4537471 (VCV004537471.1).